The following is an entry in ClinVar:

NM_006231.4(POLE):c.802-46_802-17dup

Gene: POLE (DNA polymerase epsilon, catalytic subunit; minus strand). Cytogenetic location: 12q24.33.
Variant type: Duplication.
Coding change: c.802-46_802-17dup on transcript NM_006231.4 (MANE Select); 46 bases into the intron before coding-DNA position 802 through 17 bases into the intron before coding-DNA position 802, 30 bases duplicated (AATGGGGAGTTTAGAGCTTGGCTTTATGCT).
Molecular consequence: intron variant.
Genome position (GRCh38, 1-based): chr12:132,676,670-132,676,699, AGCATAAAGCCAAGCTCTAAACTCCCCATT duplicated on the plus strand (AATGGGGAGTTTAGAGCTTGGCTTTATGCT on the coding strand, the reverse complement: POLE is on the minus strand); duplicating any 30 consecutive bases within chr12:132,676,670-132,676,701 gives the same sequence; the c. name uses the placement nearest the transcript's 3' end. VCF-style (leftmost placement, unchanged base first): chr12-132676669-A-AAGCATAAAGCCAAGCTCTAAACTCCCCATT. GRCh37 (hg19) VCF-style: chr12-133253255-A-AAGCATAAAGCCAAGCTCTAAACTCCCCATT.
Identifiers: ClinVar variation 3904541 (VCV003904541.1).

ClinVar aggregate classification (germline): Benign (1 of 4 stars; one submission).

Conditions:
Colorectal cancer, susceptibility to, 12 (CRCS12). Also called: COLORECTAL CANCER, SUSCEPTIBILITY TO, ON CHROMOSOME 12q24. Identifiers: Orphanet 220460, MedGen C3554460, MONDO:0014038, OMIM 615083.

Submission:

Myriad Genetics, Inc.
Classification: Benign for Colorectal cancer, susceptibility to, 12. Last evaluated: 2025-02-07. Review status: criteria provided, single submitter. Criteria: Myriad Autosomal Dominant, Autosomal Recessive and X-Linked Classification Criteria (2023). Collection method: clinical testing. Allele origin: unknown.
Comment: This variant is considered benign. This variant is intronic and is not expected to impact mRNA splicing.